The following is an entry in ClinVar:

ClinVar aggregate classification (germline): Uncertain significance. Review status: criteria provided, single submitter (1 of 4 stars). 2 submissions from 2 submitters: Uncertain significance (1). 1 of the submissions does not count toward it. Last evaluated 2024-05-07.

Conditions:
Rubinstein-Taybi syndrome (RSTS). Identifiers: Orphanet 783, MedGen C0035934, MONDO:0019188.
CREBBP-related disorder. Also called: CREBBP-related condition; CREBBP-related disorders.

Submissions (2):

Labcorp Genetics (formerly Invitae), Labcorp
Classification: Uncertain significance for Rubinstein-Taybi syndrome. Last evaluated: 2024-05-07. Review status: criteria provided, single submitter. Criteria: Invitae Variant Classification Sherloc (09022015). Collection method: clinical testing. Allele origin: germline.
Comment: This sequence change replaces histidine, which is basic and polar, with glutamine, which is neutral and polar, at codon 2134 of the CREBBP protein (p.His2134Gln). This variant is not present in population databases (gnomAD no frequency). This variant has not been reported in the literature in individuals affected with CREBBP-related conditions. ClinVar contains an entry for this variant (Variation ID: 2634305). Advanced modeling of protein sequence and biophysical properties (such as structural, functional, and spatial information, amino acid conservation, physicochemical variation, residue mobility, and thermodynamic stability) performed at Invitae indicates that this missense variant is not expected to disrupt CREBBP protein function with a negative predictive value of 95%. In summary, the available evidence is currently insufficient to determine the role of this variant in disease. Therefore, it has been classified as a Variant of Uncertain Significance.

PreventionGenetics, part of Exact Sciences
Classification: Uncertain significance for CREBBP-related condition. Last evaluated: 2024-09-13. Review status: no assertion criteria provided. Collection method: clinical testing. Allele origin: germline. Not counted in ClinVar's aggregate classification.
Comment: The CREBBP c.6402C>G variant is predicted to result in the amino acid substitution p.His2134Gln. To our knowledge, this variant has not been reported in the literature or in a large population database, indicating this variant is rare. At this time, the clinical significance of this variant is uncertain due to the absence of conclusive functional and genetic evidence.

NM_004380.3(CREBBP):c.6402C>G (p.His2134Gln)

Gene: CREBBP (CREB binding lysine acetyltransferase; minus strand). Cytogenetic location: 16p13.3.
Variant type: single nucleotide variant.
Coding change: c.6402C>G on transcript NM_004380.3 (MANE Select); coding-DNA position 6402, C replaced by G.
Protein change: p.His2134Gln; replaces histidine 2134 with glutamine.
Molecular consequence: missense variant.
Genome position (GRCh38, 1-based): chr16:3,728,645, G>C on the plus strand (C>G on the coding strand, the complement: CREBBP is on the minus strand). VCF-style: chr16-3728645-G-C. GRCh37 (hg19) VCF-style: chr16-3778646-G-C.
Other names: c.6288C>G, p.His2096Gln (NM_001079846.1); short protein forms H2096Q, H2134Q.
Identifiers: ClinVar variation 2634305 (VCV002634305.4), dbSNP rs931899083, ClinGen allele CA394553469.